The following is an entry in ClinVar:

NM_021815.5(SLC5A7):c.1566T>G (p.Ser522Arg)

Gene: SLC5A7 (solute carrier family 5 member 7; plus strand). Cytogenetic location: 2q12.3.
Variant type: single nucleotide variant.
Coding change: c.1566T>G on transcript NM_021815.5 (MANE Select); coding-DNA position 1566, T replaced by G.
Protein change: p.Ser522Arg; replaces serine 522 with arginine.
Molecular consequence: missense variant.
Genome position (GRCh38, 1-based): chr2:108,010,684, T>G. VCF-style: chr2-108010684-T-G. GRCh37 (hg19) VCF-style: chr2-108627140-T-G.
Other names: c.1566T>G, p.Ser522Arg (NM_001305005.3); c.1251T>G, p.Ser417Arg (NM_001305006.3); c.825T>G, p.Ser275Arg (NM_001305007.3); short protein forms S417R, S522R, S275R.
Identifiers: ClinVar variation 2931239 (VCV002931239.3), dbSNP rs2467134408, ClinGen allele CA348114857.

ClinVar aggregate classification (germline): Uncertain significance (1 of 4 stars; one submission).

Conditions:
Neuronopathy, distal hereditary motor, type 7A. Also called: Neuronopathy, distal hereditary motor, type viia; HARPER-YOUNG MYOPATHY; HMN VIIA; NEURONOPATHY, DISTAL HEREDITARY MOTOR, HARDING TYPE VIIA; NEUROPATHY, DISTAL HEREDITARY MOTOR, HARDING TYPE VIIA; Neuronopathy, distal hereditary motor, autosomal dominant 7. Identifiers: Orphanet 139589, MedGen C1834703, MONDO:0008024, OMIM 158580.
Congenital myasthenic syndrome 20. Also called: Myasthenic syndrome, congenital, 20, presynaptic. Identifiers: MedGen C4310694, MONDO:0014939, OMIM 617143.

Allele frequency attached by ClinVar (database versions not stated): gnomAD exomes below 0.00001.
gnomAD v4.1: 3 of 1,613,788 alleles (0.00019%); highest among the groups gnomAD compares: Non-Finnish European, 0.00025%; no homozygotes.

Submission:

Labcorp Genetics (formerly Invitae), Labcorp
Classification: Uncertain significance for Neuronopathy, distal hereditary motor, type 7A; Congenital myasthenic syndrome 20. Last evaluated: 2023-08-20. Review status: criteria provided, single submitter. Criteria: Invitae Variant Classification Sherloc (09022015). Collection method: clinical testing. Allele origin: germline.
Comment: In summary, the available evidence is currently insufficient to determine the role of this variant in disease. Therefore, it has been classified as a Variant of Uncertain Significance. Advanced modeling of protein sequence and biophysical properties (such as structural, functional, and spatial information, amino acid conservation, physicochemical variation, residue mobility, and thermodynamic stability) performed at Invitae indicates that this missense variant is not expected to disrupt SLC5A7 protein function. This variant has not been reported in the literature in individuals affected with SLC5A7-related conditions. This variant is not present in population databases (gnomAD no frequency). This sequence change replaces serine, which is neutral and polar, with arginine, which is basic and polar, at codon 522 of the SLC5A7 protein (p.Ser522Arg).